The following is an entry in ClinVar:

ClinVar aggregate classification (germline): Uncertain significance (1 of 4 stars; one submission).

Conditions:
ANKRD1-related dilated cardiomyopathy. Identifiers: MedGen CN119551.

Allele frequency attached by ClinVar (database versions not stated): ExAC 0.00001; gnomAD exomes 0.00001.
gnomAD v4.1: 12 of 1,614,042 alleles (0.00074%); highest among the groups gnomAD compares: South Asian, 0.012%; no homozygotes.

Submission:

Labcorp Genetics (formerly Invitae), Labcorp
Classification: Uncertain significance for ANKRD1-related dilated cardiomyopathy. Last evaluated: 2022-10-01. Review status: criteria provided, single submitter. Criteria: Invitae Variant Classification Sherloc (09022015). Collection method: clinical testing. Allele origin: germline.
Comment: In summary, the available evidence is currently insufficient to determine the role of this variant in disease. Therefore, it has been classified as a Variant of Uncertain Significance. This sequence change replaces threonine, which is neutral and polar, with asparagine, which is neutral and polar, at codon 299 of the ANKRD1 protein (p.Thr299Asn). This variant is present in population databases (rs751174664, gnomAD 0.006%). This variant has not been reported in the literature in individuals affected with ANKRD1-related conditions. ClinVar contains an entry for this variant (Variation ID: 222508). Advanced modeling of protein sequence and biophysical properties (such as structural, functional, and spatial information, amino acid conservation, physicochemical variation, residue mobility, and thermodynamic stability) performed at Invitae indicates that this missense variant is not expected to disrupt ANKRD1 protein function.

NM_014391.3(ANKRD1):c.896C>A (p.Thr299Asn)

Gene: ANKRD1 (ankyrin repeat domain 1; minus strand). Cytogenetic location: 10q23.31.
Variant type: single nucleotide variant.
Coding change: c.896C>A on transcript NM_014391.3 (MANE Select); coding-DNA position 896, C replaced by A.
Protein change: p.Thr299Asn; replaces threonine 299 with asparagine.
Molecular consequence: missense variant.
Genome position (GRCh38, 1-based): chr10:90,912,930, G>T on the plus strand (C>A on the coding strand, the complement: ANKRD1 is on the minus strand). VCF-style: chr10-90912930-G-T. GRCh37 (hg19) VCF-style: chr10-92672687-G-T.
Other names: short protein forms T299N.
Identifiers: ClinVar variation 222508 (VCV000222508.6), dbSNP rs751174664, ClinGen allele CA078878.
Genomic context (GRCh38, chr10:90,912,930, plus strand): 5'-AATGTAGCTATGCGAGAGGTCTTGTAGGAGTTCTCTCTGAGGCTGTCGAATATTGCTTTG[G>T]TTCCATTCTGCCAGTGTAGCACCAGATCCATCGGCGTCTTCCCAGCCTAATCAAATGAGA-3'
Protein context (NP_055206.2, residues 289-309): MDLVLHWQNG[Thr299Asn]KAIFDSLREN